The following is an entry in ClinVar:

NC_012920.1(MT-TK):m.8343A>G

Gene: MT-TK (mitochondrially encoded tRNA lysine; plus strand).
Variant type: single nucleotide variant.
Genome position: chrM-8343-A-G.
Identifiers: ClinVar variation 690075 (VCV000690075.1), dbSNP rs1603221411, ClinGen allele CA913179040.

ClinVar aggregate classification (germline): Benign (1 of 4 stars; one submission).

Conditions:
MELAS syndrome (MELAS). Also called: Juvenile myopathy, encephalopathy, lactic acidosis, stroke. Identifiers: Orphanet 550, MedGen C0162671, MONDO:0010789, OMIM 540000.

Submission:

Wong Mito Lab, Molecular and Human Genetics, Baylor College of Medicine
Classification: Benign for MELAS syndrome. Last evaluated: 2019-07-12. Review status: criteria provided, single submitter. Criteria: Modified ACMG Guidelines (Unpublished). Collection method: clinical testing. Allele origin: germline.
Comment: The NC_012920.1:m.8343A>G variant in MT-TK gene is interpreted to be a Benign variant based on the modified ACMG guidelines (unpublished). This variant meets the following evidence codes reported in the guidelines: BS1, BS2, BP4

Literature cited by the submitters: PubMed 31965079.